The following is an entry in ClinVar:

NM_080680.3(COL11A2):c.1773+6T>C

Gene: COL11A2 (collagen type XI alpha 2 chain; minus strand). Cytogenetic location: 6p21.32.
Variant type: single nucleotide variant.
Coding change: c.1773+6T>C on transcript NM_080680.3 (MANE Select); 6 bases into the intron after coding-DNA position 1773, T replaced by C.
Molecular consequence: intron variant.
Genome position (GRCh38, 1-based): chr6:33,178,429, A>G on the plus strand (T>C on the coding strand, the complement: COL11A2 is on the minus strand). VCF-style: chr6-33178429-A-G. GRCh37 (hg19) VCF-style: chr6-33146206-A-G.
Other names: c.1452+6T>C (NM_080679.3); c.1515+6T>C (NM_080681.3).
Identifiers: ClinVar variation 1477844 (VCV001477844.4), dbSNP rs2150576368, ClinGen allele CA2573140190.

ClinVar aggregate classification (germline): Uncertain significance (1 of 4 stars; one submission).

Submission:

Labcorp Genetics (formerly Invitae), Labcorp
Classification: Uncertain significance. Last evaluated: 2026-01-08. Review status: criteria provided, single submitter. Criteria: Invitae Variant Classification Sherloc (09022015). Collection method: clinical testing. Allele origin: germline.
Comment: This sequence change falls in intron 19 of the COL11A2 gene. It does not directly change the encoded amino acid sequence of the COL11A2 protein. It affects a nucleotide within the consensus splice site. This variant is not present in population databases (gnomAD no frequency). This variant has not been reported in the literature in individuals affected with COL11A2-related conditions. ClinVar contains an entry for this variant (Variation ID: 1477844). Variants that disrupt the consensus splice site are a relatively common cause of aberrant splicing (PMID: 17576681, 9536098). Algorithms developed to predict the effect of sequence changes on RNA splicing suggest that this variant may disrupt the consensus splice site. In summary, the available evidence is currently insufficient to determine the role of this variant in disease. Therefore, it has been classified as a Variant of Uncertain Significance.

Literature cited by the submitters: PubMed 17576681; PubMed 9536098.